The following is an entry in ClinVar:

ClinVar aggregate classification (germline): Uncertain significance (0 of 4 stars; one submission).

Conditions:
CARD10-related disorder. Also called: CARD10-related condition.

Allele frequency attached by ClinVar (database versions not stated): gnomAD exomes 0.00023; gnomAD 0.00042; TOPMed 0.00076; 1000 Genomes Project 30x 0.00125; 1000 Genomes Project 0.00140; ExAC 0.00148.
gnomAD v4.1: 412 of 1,578,392 alleles (0.026%); highest among the groups gnomAD compares: Admixed American, 0.13%; 1 homozygote.

Submission:

PreventionGenetics, part of Exact Sciences
Classification: Uncertain significance for CARD10-related condition. Last evaluated: 2024-02-05. Review status: no assertion criteria provided. Collection method: clinical testing. Allele origin: germline.
Comment: The CARD10 c.3055G>C variant is predicted to result in the amino acid substitution p.Glu1019Gln. To our knowledge, this variant has not been reported in the literature. This variant is reported in 0.22% of alleles in individuals of Ashkenazi Jewish descent in gnomAD. Although we suspect that this variant may be benign, at this time, the clinical significance of this variant is uncertain due to the absence of conclusive functional and genetic evidence.

NM_014550.4(CARD10):c.3055G>C (p.Glu1019Gln)

Gene: CARD10 (caspase recruitment domain family member 10; minus strand). Cytogenetic location: 22q13.1.
Variant type: single nucleotide variant.
Coding change: c.3055G>C on transcript NM_014550.4 (MANE Select); coding-DNA position 3055, G replaced by C.
Protein change: p.Glu1019Gln; replaces glutamic acid 1019 with glutamine.
Molecular consequence: missense variant.
Genome position (GRCh38, 1-based): chr22:37,491,203, C>G on the plus strand (G>C on the coding strand, the complement: CARD10 is on the minus strand). VCF-style: chr22-37491203-C-G. GRCh37 (hg19) VCF-style: chr22-37887241-C-G.
Other names: short protein forms E1019Q.
Identifiers: ClinVar variation 3040008 (VCV003040008.2), dbSNP rs200553561, ClinGen allele CA10219287.